The following is an entry in ClinVar:

ClinVar aggregate classification (germline): Conflicting classifications of pathogenicity. Review status: criteria provided, conflicting classifications (1 of 4 stars). 5 submissions from 4 submitters: Uncertain significance (3); Likely benign (1). 1 of the submissions does not count toward it. Last evaluated 2026-01-09.

Conditions:
Diabetes mellitus, transient neonatal, 2 (TNDM2). Identifiers: Orphanet 99886, MedGen C1835887, MONDO:0012480, OMIM 610374. Disease mechanism: loss of function.
Type 2 diabetes mellitus. Also called: Type II diabetes mellitus. Identifiers: MedGen C0011860, MeSH D003924, MONDO:0005148, OMIM 125853, HP:0005978.
Diabetes mellitus, permanent neonatal 3. Also called: ABCC8-Related Permanent Neonatal Diabetes Mellitus. Identifiers: MedGen C5394303, MONDO:0030088, OMIM 618857.
Hyperinsulinemic hypoglycemia, familial, 1 (HHF1). Also called: HYPERINSULINISM, FAMILIAL, WITH PANCREATIC NESIDIOBLASTOSIS; HYPOGLYCEMIA, HYPERINSULINEMIC, OF INFANCY; Persistent hyperinsulinemic hypoglycemia of infancy; Persistent Hyperinsulinemia Hypoglycemia of Infancy; NESIDIOBLASTOSIS OF PANCREAS. Identifiers: Orphanet 276575, Orphanet 276598, MedGen C2931832, MONDO:0009734, OMIM 256450.
Leucine-induced hypoglycemia (LIH). Also called: LEUCINE-SENSITIVE HYPOGLYCEMIA OF INFANCY. Identifiers: MedGen C0271714, MONDO:0009415, OMIM 240800.
Transitory neonatal diabetes mellitus. Also called: Transient neonatal diabetes mellitus. Identifiers: MedGen C0342273, MONDO:0020525, HP:0008255.
Maturity-onset diabetes of the young (MODY). Also called: Maturity onset diabetes mellitus in young. Identifiers: Orphanet 552, MedGen C0342276, MONDO:0018911, HP:0004904.
Hereditary hyperinsulinism.

Allele frequency attached by ClinVar (database versions not stated): gnomAD exomes below 0.00001; gnomAD 0.00002; TOPMed 0.00002.
gnomAD v4.1: 14 of 1,614,054 alleles (0.00087%); highest among the groups gnomAD compares: Non-Finnish European, 0.0011%; no homozygotes.

Submissions (5):

Labcorp Genetics (formerly Invitae), Labcorp
Classification: Likely benign. Last evaluated: 2026-01-09. Review status: criteria provided, single submitter. Criteria: Invitae Variant Classification Sherloc (09022015). Collection method: clinical testing. Allele origin: germline.

Fulgent Genetics
Classification: Uncertain significance for Type 2 diabetes mellitus; Leucine-induced hypoglycemia; Hyperinsulinemic hypoglycemia, familial, 1; Diabetes mellitus, transient neonatal, 2; Diabetes mellitus, permanent neonatal 3. Last evaluated: 2024-06-09. Review status: criteria provided, single submitter. Criteria: ACMG Guidelines, 2015. Collection method: clinical testing. Allele origin: germline.

Clinical Genomics, Uppaluri K&H Personalized Medicine Clinic
Classification: Uncertain significance for Maturity-onset diabetes of the young. Review status: criteria provided, single submitter. Criteria: K & H Uppaluri Personalized Medicine Clinic Variant Classification & Assertion Criteria_Updated V.1. Collection method: research. Allele origin: somatic. Inheritance: Somatic mutation.
Comment: Mutations in ABCC8 gene are associated with both neonatal diabetes mellitus as well as MODY. Patients with this mutation may have a better response to sulfonylureas. However, no sufficient evidence is found to ascertain the role of this particular variant (rs1345535328) in MODY yet.

Clinical Genomics, Uppaluri K&H Personalized Medicine Clinic
Classification: Uncertain significance for Transitory neonatal diabetes mellitus. Review status: criteria provided, single submitter. Criteria: K & H Uppaluri Personalized Medicine Clinic Variant Classification & Assertion Criteria_Updated V.1. Collection method: research. Allele origin: somatic. Inheritance: Somatic mutation.
Comment: Mutations in ABCC8 gene are associated with both neonatal diabetes mellitus as well as MODY. Patients with this mutation may have a better response to sulfonylureas. However, no sufficient evidence is found to ascertain the role of this particular variant (rs1345535328) in neonatal diabetes yet.

Natera, Inc.
Classification: Uncertain significance for Hereditary hyperinsulinism. Last evaluated: 2020-04-10. Review status: no assertion criteria provided. Collection method: clinical testing. Allele origin: germline. Not counted in ClinVar's aggregate classification.

Literature cited by the submitters: PubMed 16885549 (cited by Clinical Genomics, Uppaluri K&H Personalized Medicine Clinic); PubMed 21989597 (cited by Clinical Genomics, Uppaluri K&H Personalized Medicine Clinic); PubMed 27538677 (cited by Clinical Genomics, Uppaluri K&H Personalized Medicine Clinic); PubMed 18981553 (cited by Clinical Genomics, Uppaluri K&H Personalized Medicine Clinic); PubMed 32027066 (cited by Clinical Genomics, Uppaluri K&H Personalized Medicine Clinic); PubMed 16613899 (cited by Clinical Genomics, Uppaluri K&H Personalized Medicine Clinic); PubMed 18025408 (cited by Clinical Genomics, Uppaluri K&H Personalized Medicine Clinic); PubMed 32792356 (cited by Clinical Genomics, Uppaluri K&H Personalized Medicine Clinic).

NM_000352.6(ABCC8):c.4104C>T (p.Ile1368=)

Gene: ABCC8 (ATP binding cassette subfamily C member 8; minus strand). Cytogenetic location: 11p15.1.
Variant type: single nucleotide variant.
Coding change: c.4104C>T on transcript NM_000352.6 (MANE Select); coding-DNA position 4104, C replaced by T.
Protein change: p.Ile1368=; no amino-acid change (isoleucine 1368 retained).
Molecular consequence: synonymous variant. On other transcripts: non-coding transcript variant (1).
Genome position (GRCh38, 1-based): chr11:17,396,931, G>A on the plus strand (C>T on the coding strand, the complement: ABCC8 is on the minus strand). VCF-style: chr11-17396931-G-A. GRCh37 (hg19) VCF-style: chr11-17418478-G-A.
Other names: c.4107C>T, p.Ile1369= (NM_001287174.3); c.4170C>T, p.Ile1390= (NM_001351295.2); c.4104C>T, p.Ile1368= (NM_001351296.2); c.4101C>T, p.Ile1367= (NM_001351297.2).
Identifiers: ClinVar variation 989958 (VCV000989958.11), dbSNP rs1345535328, ClinGen allele CA473298438.